The following is an entry in ClinVar:

NM_020937.4(FANCM):c.5595G>T (p.Arg1865Ser)

Gene: FANCM (FA complementation group M; plus strand). Cytogenetic location: 14q21.2.
Variant type: single nucleotide variant.
Coding change: c.5595G>T on transcript NM_020937.4 (MANE Select); coding-DNA position 5595, G replaced by T.
Protein change: p.Arg1865Ser; replaces arginine 1865 with serine.
Molecular consequence: missense variant.
Genome position (GRCh38, 1-based): chr14:45,196,426, G>T. VCF-style: chr14-45196426-G-T. GRCh37 (hg19) VCF-style: chr14-45665629-G-T.
Other names: c.5517G>T, p.Arg1839Ser (NM_001308133.2); short protein forms R1839S, R1865S.
Identifiers: ClinVar variation 4254684 (VCV004254684.1).

ClinVar aggregate classification (germline): Uncertain significance (1 of 4 stars; one submission).

Conditions:
Inborn genetic diseases. Identifiers: MedGen C0950123, MeSH D030342.

gnomAD v4.1: 2 of 1,614,180 alleles (0.00012%); highest among the groups gnomAD compares: Non-Finnish European, 0.00017%; no homozygotes.

Submission:

Ambry Genetics
Classification: Uncertain significance for Inborn genetic diseases. Last evaluated: 2025-08-20. Review status: criteria provided, single submitter. Criteria: Ambry Variant Classification Scheme 2023. Collection method: clinical testing. Allele origin: germline.
Comment: The p.R1865S variant (also known as c.5595G>T), located in coding exon 21 of the FANCM gene, results from a G to T substitution at nucleotide position 5595. The arginine at codon 1865 is replaced by serine, an amino acid with dissimilar properties. This amino acid position is conserved. In addition, this alteration is predicted to be deleterious by in silico analysis. Based on the available evidence, the clinical significance of this variant remains unclear.